The following is an entry in ClinVar:

NM_001197104.2(KMT2A):c.6935A>G (p.Lys2312Arg)

Gene: KMT2A (lysine methyltransferase 2A; plus strand). Cytogenetic location: 11q23.3.
Variant type: single nucleotide variant.
Coding change: c.6935A>G on transcript NM_001197104.2 (MANE Select); coding-DNA position 6935, A replaced by G.
Protein change: p.Lys2312Arg; replaces lysine 2312 with arginine.
Molecular consequence: missense variant.
Genome position (GRCh38, 1-based): chr11:118,502,827, A>G. VCF-style: chr11-118502827-A-G. GRCh37 (hg19) VCF-style: chr11-118373542-A-G.
Other names: c.7025A>G, p.Lys2342Arg (NM_001412597.1); c.6926A>G, p.Lys2309Arg (NM_005933.4); short protein forms K2309R, K2342R, K2312R.
Identifiers: ClinVar variation 2784066 (VCV002784066.3), dbSNP rs1555046253, ClinGen allele CA382803665.

ClinVar aggregate classification (germline): Uncertain significance (1 of 4 stars; one submission).

Allele frequency attached by ClinVar (database versions not stated): gnomAD exomes below 0.00001.
gnomAD v4.1: 1 of 1,614,192 alleles (0.000062%); highest among the groups gnomAD compares: Admixed American, 0.0017%; no homozygotes.

Submission:

Labcorp Genetics (formerly Invitae), Labcorp
Classification: Uncertain significance. Last evaluated: 2023-06-17. Review status: criteria provided, single submitter. Criteria: Invitae Variant Classification Sherloc (09022015). Collection method: clinical testing. Allele origin: germline.
Comment: In summary, the available evidence is currently insufficient to determine the role of this variant in disease. Therefore, it has been classified as a Variant of Uncertain Significance. Advanced modeling of protein sequence and biophysical properties (such as structural, functional, and spatial information, amino acid conservation, physicochemical variation, residue mobility, and thermodynamic stability) performed at Invitae indicates that this missense variant is not expected to disrupt KMT2A protein function. This variant has not been reported in the literature in individuals affected with KMT2A-related conditions. This variant is present in population databases (no rsID available, gnomAD 0.003%). This sequence change replaces lysine, which is basic and polar, with arginine, which is basic and polar, at codon 2312 of the KMT2A protein (p.Lys2312Arg).